The following is an entry in ClinVar:

ClinVar aggregate classification (germline): Uncertain significance. Review status: criteria provided, multiple submitters, no conflicts (2 of 4 stars). 2 submissions from 2 submitters: Uncertain significance (2). Last evaluated 2026-08-18.

Conditions:
Atrioventricular septal defect 5 (AVSD5). Identifiers: MedGen C3280939, MONDO:0013769, OMIM 614474.
Inborn genetic diseases. Identifiers: MedGen C0950123, MeSH D030342.

Allele frequency attached by ClinVar (database versions not stated): TOPMed below 0.00001; gnomAD 0.00001.
gnomAD v4.1: 3 of 1,613,936 alleles (0.00019%); highest among the groups gnomAD compares: Non-Finnish European, 0.00025%; no homozygotes.

Submissions (2):

Ambry Genetics
Classification: Uncertain significance for Inborn genetic diseases. Last evaluated: 2026-08-18. Review status: criteria provided, single submitter. Criteria: Ambry Variant Classification Scheme 2023. Collection method: clinical testing. Allele origin: germline.
Comment: The c.1492A>G (p.I498V) alteration is located in exon 5 (coding exon 4) of the GATA6 gene. This alteration results from a A to G substitution at nucleotide position 1492, causing the isoleucine (I) at amino acid position 498 to be replaced by a valine (V). Based on data from gnomAD, the G allele has an overall frequency of <0.001% (1/251090) total alleles studied. The highest observed frequency was 0.001% (1/113556) of European (non-Finnish) alleles. Based on insufficient or conflicting evidence, the clinical significance of this alteration remains unclear.

Labcorp Genetics (formerly Invitae), Labcorp
Classification: Uncertain significance for Atrioventricular septal defect 5. Last evaluated: 2023-03-07. Review status: criteria provided, single submitter. Criteria: Invitae Variant Classification Sherloc (09022015). Collection method: clinical testing. Allele origin: germline.
Comment: This sequence change replaces isoleucine, which is neutral and non-polar, with valine, which is neutral and non-polar, at codon 498 of the GATA6 protein (p.Ile498Val). This variant is present in population databases (no rsID available, gnomAD 0.0009%). This variant has not been reported in the literature in individuals affected with GATA6-related conditions. Advanced modeling of protein sequence and biophysical properties (such as structural, functional, and spatial information, amino acid conservation, physicochemical variation, residue mobility, and thermodynamic stability) performed at Invitae indicates that this missense variant is not expected to disrupt GATA6 protein function. In summary, the available evidence is currently insufficient to determine the role of this variant in disease. Therefore, it has been classified as a Variant of Uncertain Significance.

NM_005257.6(GATA6):c.1492A>G (p.Ile498Val)

Gene: GATA6 (GATA binding protein 6; plus strand). Cytogenetic location: 18q11.2.
Variant type: single nucleotide variant.
Coding change: c.1492A>G on transcript NM_005257.6 (MANE Select); coding-DNA position 1492, A replaced by G.
Protein change: p.Ile498Val; replaces isoleucine 498 with valine.
Molecular consequence: missense variant.
Genome position (GRCh38, 1-based): chr18:22,182,820, A>G. VCF-style: chr18-22182820-A-G. GRCh37 (hg19) VCF-style: chr18-19762781-A-G.
Other names: c.1492A>G (NM_005257.3); short protein forms I498V.
Identifiers: ClinVar variation 2918932 (VCV002918932.4), dbSNP rs1005332800, ClinGen allele CA297154924.
Genomic context (GRCh38, chr18:22,182,820, plus strand): 5'-CCCAGACCACTTGCTATGAAAAAAGAGGGAATTCAAACCAGGAAACGAAAACCTAAGAAC[A>G]TAAATAAATCAAAGACTTGCTCTGGTAAATATACTAAAATGACGTTTGACTGTAAAGTAT-3'
Protein context (NP_005248.2, residues 488-508): IQTRKRKPKN[Ile498Val]NKSKTCSGNS